The following is an entry in ClinVar:

ClinVar aggregate classification (germline): Uncertain significance. Review status: criteria provided, multiple submitters, no conflicts (2 of 4 stars). 2 submissions from 2 submitters: Uncertain significance (2). Last evaluated 2026-02-09.

Submissions (2):

Dasa
Classification: Uncertain significance. Last evaluated: 2026-02-09. Review status: criteria provided, single submitter. Criteria: DASA Assertion Criteria. Collection method: clinical testing. Allele origin: germline.
Comment: NM_000836.4(GRIN2D):c.3459G>C (p.Trp1153Cys) is a missense variant that results in the substitution of tryptophan with cysteine. This variant is rare in population databases. Computational prediction algorithms are consistent with a benign effect. The currently available literature and clinical evidence are not sufficient to establish a definitive association between this variant and the reported condition. Therefore, this variant is classified as a variant of uncertain significance.

Labcorp Genetics (formerly Invitae), Labcorp
Classification: Uncertain significance. Last evaluated: 2025-08-18. Review status: criteria provided, single submitter. Criteria: Invitae Variant Classification Sherloc (09022015). Collection method: clinical testing. Allele origin: germline.
Comment: This sequence change replaces tryptophan, which is neutral and slightly polar, with cysteine, which is neutral and slightly polar, at codon 1153 of the GRIN2D protein (p.Trp1153Cys). This variant is not present in population databases (gnomAD no frequency). This variant has not been reported in the literature in individuals affected with GRIN2D-related conditions. Invitae Evidence Modeling of protein sequence and biophysical properties (such as structural, functional, and spatial information, amino acid conservation, physicochemical variation, residue mobility, and thermodynamic stability) indicates that this missense variant is not expected to disrupt GRIN2D protein function with a negative predictive value of 95%. In summary, the available evidence is currently insufficient to determine the role of this variant in disease. Therefore, it has been classified as a Variant of Uncertain Significance.

NM_000836.4(GRIN2D):c.3459G>C (p.Trp1153Cys)

Gene: GRIN2D (glutamate ionotropic receptor NMDA type subunit 2D; plus strand). Cytogenetic location: 19q13.33.
Variant type: single nucleotide variant.
Coding change: c.3459G>C on transcript NM_000836.4 (MANE Select); coding-DNA position 3459, G replaced by C.
Protein change: p.Trp1153Cys; replaces tryptophan 1153 with cysteine.
Molecular consequence: missense variant.
Genome position (GRCh38, 1-based): chr19:48,443,385, G>C. VCF-style: chr19-48443385-G-C. GRCh37 (hg19) VCF-style: chr19-48946642-G-C.
Other names: short protein forms W1153C.
Identifiers: ClinVar variation 4799188 (VCV004799188.3).